The following is an entry in ClinVar:

ClinVar aggregate classification (germline): Pathogenic (1 of 4 stars; one submission).

Conditions:
DYRK1A-related intellectual disability syndrome (MRD7). Also called: DYRK1A Syndrome; Intellectual developmental disorder, autosomal dominant 7. Identifiers: Orphanet 464306, MedGen C5568143, MONDO:0013578, OMIM 614104.

Submission:

Labcorp Genetics (formerly Invitae), Labcorp
Classification: Pathogenic for DYRK1A-related intellectual disability syndrome. Last evaluated: 2025-06-27. Review status: criteria provided, single submitter. Criteria: Invitae Variant Classification Sherloc (09022015). Collection method: clinical testing. Allele origin: germline.
Comment: This sequence change creates a premature translational stop signal (p.Gln369*) in the DYRK1A gene. It is expected to result in an absent or disrupted protein product. Loss-of-function variants in DYRK1A are known to be pathogenic (PMID: 25944381). This variant is not present in population databases (gnomAD no frequency). This variant has not been reported in the literature in individuals affected with DYRK1A-related conditions. For these reasons, this variant has been classified as Pathogenic.

Literature cited by the submitters: PubMed 25944381.

NM_001347721.2(DYRK1A):c.1078C>T (p.Gln360Ter)

Gene: DYRK1A (dual specificity tyrosine phosphorylation regulated kinase 1A; plus strand). Cytogenetic location: 21q22.13.
Variant type: single nucleotide variant.
Coding change: c.1078C>T on transcript NM_001347721.2 (MANE Select); coding-DNA position 1078, C replaced by T.
Protein change: p.Gln360Ter; replaces glutamine 360 with a stop codon.
Molecular consequence: nonsense.
Genome position (GRCh38, 1-based): chr21:37,496,124, C>T. VCF-style: chr21-37496124-C-T. GRCh37 (hg19) VCF-style: chr21-38868426-C-T.
Other names: c.1105C>T, p.Gln369Ter (NM_001396.5, NM_101395.2, NM_130438.2); c.1078C>T, p.Gln360Ter (NM_130436.2, NM_001347722.2); c.991C>T, p.Gln331Ter (NM_001347723.2); short protein forms Q360*, Q369*, Q331*.
Identifiers: ClinVar variation 4714854 (VCV004714854.1).